The following is an entry in ClinVar:

NM_014476.6(PDLIM3):c.667C>G (p.Pro223Ala)

Gene: PDLIM3 (PDZ and LIM domain 3; minus strand). Cytogenetic location: 4q35.1.
Variant type: single nucleotide variant.
Coding change: c.667C>G on transcript NM_014476.6 (MANE Select); coding-DNA position 667, C replaced by G.
Protein change: p.Pro223Ala; replaces proline 223 with alanine.
Molecular consequence: missense variant. On other transcripts: non-coding transcript variant (1).
Genome position (GRCh38, 1-based): chr4:185,506,648, G>C on the plus strand (C>G on the coding strand, the complement: PDLIM3 is on the minus strand). VCF-style: chr4-185506648-G-C. GRCh37 (hg19) VCF-style: chr4-186427802-G-C.
Other names: c.523C>G, p.Pro175Ala (NM_001114107.5); c.403C>G, p.Pro135Ala (NM_001257962.2); c.166C>G, p.Pro56Ala (NM_001257963.2); short protein forms P223A, P56A, P135A, P175A.
Identifiers: ClinVar variation 2563484 (VCV002563484.2), dbSNP rs2095697972, ClinGen allele CA358923159.

ClinVar aggregate classification (germline): Uncertain significance (1 of 4 stars; one submission).

Submission:

Ambry Genetics
Classification: Uncertain significance. Last evaluated: 2023-05-27. Review status: criteria provided, single submitter. Criteria: Ambry Variant Classification Scheme 2023. Collection method: clinical testing. Allele origin: germline.
Comment: The p.P223A variant (also known as c.667C>G), located in coding exon 6 of the PDLIM3 gene, results from a C to G substitution at nucleotide position 667. The proline at codon 223 is replaced by alanine, an amino acid with highly similar properties. This amino acid position is conserved. In addition, this alteration is predicted to be tolerated by in silico analysis. Since supporting evidence is limited at this time, the clinical significance of this alteration remains unclear.